The following is an entry in ClinVar:

ClinVar aggregate classification (germline): Conflicting classifications of pathogenicity. Review status: criteria provided, conflicting classifications (1 of 4 stars). 3 submissions from 3 submitters: Uncertain significance (2); Likely benign (1). Last evaluated 2024-11-28.

Conditions:
Neutropenia, severe congenital, 1, autosomal dominant. Identifiers: MedGen C1859966, MONDO:0042490, OMIM 202700.
Cyclical neutropenia. Also called: Cyclic Neutropenia; Cyclic hematopoiesis. Identifiers: Orphanet 2686, MedGen C0221023, MONDO:0008090, OMIM 162800, HP:0040289. Disease mechanism: loss of function.
Inborn genetic diseases. Identifiers: MedGen C0950123, MeSH D030342.

gnomAD v4.1: 23 of 1,609,662 alleles (0.0014%); highest among the groups gnomAD compares: Admixed American, 0.0033%; no homozygotes.

Submissions (3):

Ambry Genetics
Classification: Likely benign for Inborn genetic diseases. Last evaluated: 2024-11-28. Review status: criteria provided, single submitter. Criteria: Ambry Variant Classification Scheme 2023. Collection method: clinical testing. Allele origin: germline.

Labcorp Genetics (formerly Invitae), Labcorp
Classification: Uncertain significance for Neutropenia, severe congenital, 1, autosomal dominant; Cyclical neutropenia. Last evaluated: 2024-10-08. Review status: criteria provided, single submitter. Criteria: Invitae Variant Classification Sherloc (09022015). Collection method: clinical testing. Allele origin: germline.
Comment: This sequence change replaces threonine, which is neutral and polar, with methionine, which is neutral and non-polar, at codon 178 of the ELANE protein (p.Thr178Met). This variant is present in population databases (rs747053501, gnomAD 0.006%). This variant has not been reported in the literature in individuals affected with ELANE-related conditions. Invitae Evidence Modeling of protein sequence and biophysical properties (such as structural, functional, and spatial information, amino acid conservation, physicochemical variation, residue mobility, and thermodynamic stability) indicates that this missense variant is expected to disrupt ELANE protein function with a positive predictive value of 95%. In summary, the available evidence is currently insufficient to determine the role of this variant in disease. Therefore, it has been classified as a Variant of Uncertain Significance.

Blueprint Genetics
Classification: Uncertain significance. Last evaluated: 2022-05-26. Review status: criteria provided, single submitter. Criteria: ACMG Guidelines, 2015. Collection method: clinical testing. Allele origin: germline.

NM_001972.4(ELANE):c.533C>T (p.Thr178Met)

Gene: ELANE (elastase, neutrophil expressed; plus strand). Cytogenetic location: 19p13.3.
Variant type: single nucleotide variant.
Coding change: c.533C>T on transcript NM_001972.4 (MANE Select); coding-DNA position 533, C replaced by T.
Protein change: p.Thr178Met; replaces threonine 178 with methionine.
Molecular consequence: missense variant.
Genome position (GRCh38, 1-based): chr19:855,730, C>T. VCF-style: chr19-855730-C-T. GRCh37 (hg19) VCF-style: chr19-855730-C-T.
Other names: short protein forms T178M.
Identifiers: ClinVar variation 2935864 (VCV002935864.5), dbSNP rs747053501, ClinGen allele CA9026086.